The following is an entry in ClinVar:

NM_001365951.3(KIF1B):c.1299A>G (p.Thr433=)

Gene: KIF1B (kinesin family member 1B; plus strand). Cytogenetic location: 1p36.22.
Variant type: single nucleotide variant.
Coding change: c.1299A>G on transcript NM_001365951.3 (MANE Select); coding-DNA position 1299, A replaced by G.
Protein change: p.Thr433=; no amino-acid change (threonine 433 retained).
Molecular consequence: synonymous variant. On other transcripts: splice acceptor variant (3).
Genome position (GRCh38, 1-based): chr1:10,282,398, A>G. VCF-style: chr1-10282398-A-G. GRCh37 (hg19) VCF-style: chr1-10342456-A-G.
Other names: c.1299A>G, p.Thr433= (NM_001365952.1); c.1163-2A>G (NM_183416.4, NM_015074.3, NM_001365953.1).
Identifiers: ClinVar variation 3226340 (VCV003226340.1), dbSNP rs2521255504, ClinGen allele CA338336094.
Genomic context (GRCh38, chr1:10,282,398, plus strand): 5'-GAACAATAAGCATAGATACTTGCTAGCCTCTGAGAATCAACGCCCTGGCCATTTTTCCAC[A>G]GCATCCATGGGGTCCCTCACTTCATCCCCATCTTCCTGCTCACTCAGTAGTCAGGTGGGC-3'
Protein context (NP_001352880.1, residues 423-443): SENQRPGHFS[Thr433=]ASMGSLTSSP

ClinVar aggregate classification (germline): Uncertain significance (1 of 4 stars; one submission).

Allele frequency attached by ClinVar (database versions not stated): gnomAD exomes below 0.00001.
gnomAD v4.1: 2 of 1,614,184 alleles (0.00012%); highest among the groups gnomAD compares: Non-Finnish European, 0.00017%; no homozygotes.

Submission:

Ambry Genetics
Classification: Uncertain significance. Last evaluated: 2024-02-28. Review status: criteria provided, single submitter. Criteria: Ambry Variant Classification Scheme 2023. Collection method: clinical testing. Allele origin: germline.
Comment: The c.1163-2A>G intronic variant results from an A to G substitution two nucleotides upstream from coding exon 12 in the KIF1B gene. This nucleotide position is highly conserved in available vertebrate species. In silico splice site analysis predicts that this alteration will weaken the native splice acceptor site. Alterations that disrupt the canonical splice site are expected to cause aberrant splicing, resulting in an abnormal protein or a transcript that is subject to nonsense-mediated mRNA decay. The evidence for this gene-disease relationship is limited; therefore, the clinical significance of this alteration is unclear.